The following is an entry in ClinVar:

ClinVar aggregate classification (germline): Benign. Review status: criteria provided, multiple submitters, no conflicts (2 of 4 stars). 2 submissions from 2 submitters: Benign (2). Last evaluated 2018-06-19.

Allele frequency attached by ClinVar (database versions not stated): gnomAD exomes 0.60379; gnomAD 0.66616 and 0.66880; TOPMed 0.69017; 1000 Genomes Project 0.75200; 1000 Genomes Project 30x 0.75406.
gnomAD v4.1: 396,826 of 640,256 alleles (62%); highest among the groups gnomAD compares: African/African-American, 91%; 127,909 homozygotes.

Submissions (2):

GeneDx
Classification: Benign. Last evaluated: 2018-06-19. Review status: criteria provided, single submitter. Criteria: GeneDx Variant Classification (06012015). Collection method: clinical testing. Allele origin: germline. Affected: yes.
Comment: This variant is considered likely benign or benign based on one or more of the following criteria: it is a conservative change, it occurs at a poorly conserved position in the protein, it is predicted to be benign by multiple in silico algorithms, and/or has population frequency not consistent with disease.

Breakthrough Genomics
Classification: Benign. Review status: criteria provided, single submitter. Criteria: ACMG Guidelines, 2015. Collection method: not provided. Allele origin: germline. Inheritance: Autosomal dominant inheritance. Affected: yes.

NM_001040151.2(SCN3B):c.*22+156G>C

Gene: SCN3B (sodium voltage-gated channel beta subunit 3; minus strand). Cytogenetic location: 11q24.1.
Variant type: single nucleotide variant.
Coding change: c.*22+156G>C on transcript NM_001040151.2 (MANE Select); 156 bases into the intron after 22 bases downstream of the stop codon, G replaced by C.
Molecular consequence: intron variant.
Genome position (GRCh38, 1-based): chr11:123,633,965, C>G on the plus strand (G>C on the coding strand, the complement: SCN3B is on the minus strand). VCF-style: chr11-123633965-C-G. GRCh37 (hg19) VCF-style: chr11-123504673-C-G.
Other names: c.*22+156G>C (NM_018400.4).
Identifiers: ClinVar variation 671838 (VCV000671838.2), dbSNP rs1148111, ClinGen allele CA13400863.